The following is an entry in ClinVar:

NM_017654.4(SAMD9):c.275G>T (p.Ser92Ile)

Gene: SAMD9 (sterile alpha motif domain containing 9; minus strand). Cytogenetic location: 7q21.2.
Variant type: single nucleotide variant.
Coding change: c.275G>T on transcript NM_017654.4 (MANE Select); coding-DNA position 275, G replaced by T.
Protein change: p.Ser92Ile; replaces serine 92 with isoleucine.
Molecular consequence: missense variant.
Genome position (GRCh38, 1-based): chr7:93,105,823, C>A on the plus strand (G>T on the coding strand, the complement: SAMD9 is on the minus strand). VCF-style: chr7-93105823-C-A. GRCh37 (hg19) VCF-style: chr7-92735136-C-A.
Other names: c.275G>T, p.Ser92Ile (NM_001193307.2); short protein forms S92I.
Identifiers: ClinVar variation 3792126 (VCV003792126.1).

ClinVar aggregate classification (germline): Uncertain significance (1 of 4 stars; one submission).

Conditions:
Inborn genetic diseases. Identifiers: MedGen C0950123, MeSH D030342.

gnomAD v4.1: 2 of 1,614,034 alleles (0.00012%); highest among the groups gnomAD compares: African/African-American, 0.0027%; no homozygotes.

Submission:

Ambry Genetics
Classification: Uncertain significance for Inborn genetic diseases. Last evaluated: 2025-02-26. Review status: criteria provided, single submitter. Criteria: Ambry Variant Classification Scheme 2023. Collection method: clinical testing. Allele origin: germline.
Comment: The p.S92I variant (also known as c.275G>T), located in coding exon 1 of the SAMD9 gene, results from a G to T substitution at nucleotide position 275. The serine at codon 92 is replaced by isoleucine, an amino acid with dissimilar properties. This amino acid position is conserved. In addition, this alteration is predicted to be tolerated by in silico analysis. Based on the available evidence, the clinical significance of this variant remains unclear.